The following is an entry in ClinVar:

ClinVar aggregate classification (germline): Uncertain significance (1 of 4 stars; one submission).

Conditions:
GPD2-related disorder. Also called: GPD2-related condition.

gnomAD v4.1: 1 of 1,611,514 alleles (0.000062%); highest among the groups gnomAD compares: Non-Finnish European, 0.000085%; no homozygotes.

Submission:

PreventionGenetics, part of Exact Sciences
Classification: Uncertain significance for GPD2-related condition. Last evaluated: 2026-04-28. Review status: criteria provided, single submitter. Criteria: ACMG Guidelines, 2015. Collection method: clinical testing. Allele origin: germline.
Comment: The GPD2 c.637G>A variant is predicted to result in the amino acid substitution p.Val213Ile. To our knowledge, this variant has not been reported in the literature or in a large population database (gnomAD), indicating this variant is rare. At this time, the clinical significance of this variant is uncertain due to the absence of conclusive functional and genetic evidence.

NM_000408.5(GPD2):c.637G>A (p.Val213Ile)

Gene: GPD2 (glycerol-3-phosphate dehydrogenase 2; plus strand). Cytogenetic location: 2q24.1.
Variant type: single nucleotide variant.
Coding change: c.637G>A on transcript NM_000408.5 (MANE Select); coding-DNA position 637, G replaced by A.
Protein change: p.Val213Ile; replaces valine 213 with isoleucine.
Molecular consequence: missense variant.
Genome position (GRCh38, 1-based): chr2:156,513,472, G>A. VCF-style: chr2-156513472-G-A. GRCh37 (hg19) VCF-style: chr2-157369984-G-A.
Other names: c.637G>A, p.Val213Ile (NM_001083112.3); short protein forms V213I.
Identifiers: ClinVar variation 4992599 (VCV004992599.1).
Genomic context (GRCh38, chr2:156,513,472, plus strand): 5'-TATGTCCTCAGCAAATCAAGAGCCCTTGAACATTTCCCAATGCTCCAGAAGGACAAACTG[G>A]TAGGAGCAATTGTCTACTATGACGGTATGTGATGTTTTTTTTTTTTTTCCTCACAAGATA-3'
Protein context (NP_000399.3, residues 203-223): HFPMLQKDKL[Val213Ile]GAIVYYDGQH